The following is an entry in ClinVar:

NM_017780.4(CHD7):c.8939A>G (p.Glu2980Gly)

Gene: CHD7 (chromodomain helicase DNA binding protein 7; plus strand). Cytogenetic location: 8q12.2.
Variant type: single nucleotide variant.
Coding change: c.8939A>G on transcript NM_017780.4 (MANE Select); coding-DNA position 8939, A replaced by G.
Protein change: p.Glu2980Gly; replaces glutamic acid 2980 with glycine.
Molecular consequence: missense variant.
Genome position (GRCh38, 1-based): chr8:60,865,878, A>G. VCF-style: chr8-60865878-A-G. GRCh37 (hg19) VCF-style: chr8-61778437-A-G.
Other names: c.2792A>G, p.Glu931Gly (NM_001316690.1); short protein forms E2980G, E931G.
Identifiers: ClinVar variation 1693444 (VCV001693444.2), dbSNP rs2129772587, ClinGen allele CA371313351.

ClinVar aggregate classification (germline): Uncertain significance (1 of 4 stars; one submission).

Submission:

GeneDx
Classification: Uncertain significance. Last evaluated: 2022-01-03. Review status: criteria provided, single submitter. Criteria: GeneDx Variant Classification Process June 2021. Collection method: clinical testing. Allele origin: germline. Affected: yes.
Comment: Not observed at significant frequency in large population cohorts (gnomAD); In silico analysis supports that this missense variant does not alter protein structure/function; Has not been previously published as pathogenic or benign to our knowledge